The following is an entry in ClinVar:

NM_183050.4(BCKDHB):c.*345C>T

Gene: BCKDHB (branched chain keto acid dehydrogenase E1 subunit beta; plus strand). Cytogenetic location: 6q14.1.
Variant type: single nucleotide variant.
Coding change: c.*345C>T on transcript NM_183050.4 (MANE Select); 345 bases downstream of the stop codon, C replaced by T.
Molecular consequence: 3 prime UTR variant. On other transcripts: non-coding transcript variant (1), intron variant (1).
Genome position (GRCh38, 1-based): chr6:80,344,149, C>T. VCF-style: chr6-80344149-C-T. GRCh37 (hg19) VCF-style: chr6-81053866-C-T.
Other names: NC_000006.11:g.81053866C>T; c.*345C>T (NM_001318975.1); c.*8+337C>T (NM_000056.5).
Identifiers: ClinVar variation 358178 (VCV000358178.6), dbSNP rs1811844, ClinGen allele CA10622784.
Genomic context (GRCh38, chr6:80,344,149, plus strand): 5'-CCTACCCCTGAGTTCAAGCGATTCTCCTGCCTCAGCCTGCTGAGTAGTTGGGATTACAGG[C>T]GCCCACCACCATGCCCAGCTAATTTTTGTGTTTTTATTGGAGGTGGGGTGTCACTATGTT-3'

ClinVar aggregate classification (germline): Benign (1 of 4 stars; one submission).

Conditions:
Maple syrup urine disease (MSUD). Identifiers: Orphanet 511, MedGen C0024776, MeSH D008375, MONDO:0009563. Disease mechanism: loss of function.

Allele frequency attached by ClinVar (database versions not stated): 1000 Genomes Project 30x 0.58323; 1000 Genomes Project 0.58986; TOPMed 0.65965; gnomAD 0.66759 and 0.66977; gnomAD exomes 0.77624.
gnomAD v4.1: 228,696 of 314,868 alleles (73%); highest among the groups gnomAD compares: Non-Finnish European, 83%; 88,578 homozygotes.

Submissions (13):

Illumina Laboratory Services, Illumina
Classification: Benign for Maple syrup urine disease type 1A. Last evaluated: 2018-01-13. Review status: criteria provided, single submitter. Criteria: ICSL Variant Classification Criteria 13 December 2019. Collection method: clinical testing. Allele origin: germline.
Comment: This variant was observed in the ICSL laboratory as part of a predisposition screen in an ostensibly healthy population. It had not been previously curated by ICSL or reported in the Human Gene Mutation Database (HGMD: prior to June 1st, 2018), and was therefore a candidate for classification through an automated scoring system. Utilizing variant allele frequency, disease prevalence and penetrance estimates, and inheritance mode, an automated score was calculated to assess if this variant is too frequent to cause the disease. Based on the score and internal cut-off values, a variant classified as benign is not then subjected to further curation. The score for this variant resulted in a classification of benign for this disease.

Dr. Peter K. Rogan Lab, Western University
No classification provided (evidence only). Condition: Sarcoma. Review status: no classification provided. Collection method: in vitro. Allele origin: not applicable. Functional consequence: retained intron. Not counted in ClinVar's aggregate classification.

Dr. Peter K. Rogan Lab, Western University
No classification provided (evidence only). Condition: Sarcoma. Review status: no classification provided. Collection method: in vitro. Allele origin: not applicable. Functional consequence: retained intron. Not counted in ClinVar's aggregate classification.

Dr. Peter K. Rogan Lab, Western University
No classification provided (evidence only). Condition: Sarcoma. Review status: no classification provided. Collection method: in vitro. Allele origin: not applicable. Functional consequence: retained intron. Not counted in ClinVar's aggregate classification.

Dr. Peter K. Rogan Lab, Western University
No classification provided (evidence only). Condition: Sarcoma. Review status: no classification provided. Collection method: in vitro. Allele origin: not applicable. Functional consequence: retained intron. Not counted in ClinVar's aggregate classification.

Dr. Peter K. Rogan Lab, Western University
No classification provided (evidence only). Condition: Sarcoma. Review status: no classification provided. Collection method: in vitro. Allele origin: not applicable. Functional consequence: retained intron. Not counted in ClinVar's aggregate classification.

Dr. Peter K. Rogan Lab, Western University
No classification provided (evidence only). Condition: Sarcoma. Review status: no classification provided. Collection method: in vitro. Allele origin: not applicable. Functional consequence: retained intron. Not counted in ClinVar's aggregate classification.

Dr. Peter K. Rogan Lab, Western University
No classification provided (evidence only). Condition: Sarcoma. Review status: no classification provided. Collection method: in vitro. Allele origin: not applicable. Functional consequence: retained intron. Not counted in ClinVar's aggregate classification.

Dr. Peter K. Rogan Lab, Western University
No classification provided (evidence only). Condition: Thymoma. Review status: no classification provided. Collection method: in vitro. Allele origin: not applicable. Functional consequence: retained intron. Not counted in ClinVar's aggregate classification.

Dr. Peter K. Rogan Lab, Western University
No classification provided (evidence only). Condition: Cholangiocarcinoma. Review status: no classification provided. Collection method: in vitro. Allele origin: not applicable. Functional consequence: retained intron. Not counted in ClinVar's aggregate classification.

Dr. Peter K. Rogan Lab, Western University
No classification provided (evidence only). Condition: Gastric cancer. Review status: no classification provided. Collection method: in vitro. Allele origin: not applicable. Functional consequence: retained intron. Not counted in ClinVar's aggregate classification.

Dr. Peter K. Rogan Lab, Western University
No classification provided (evidence only). Condition: Uterine carcinosarcoma. Review status: no classification provided. Collection method: in vitro. Allele origin: not applicable. Functional consequence: skipped exon. Not counted in ClinVar's aggregate classification.

Dr. Peter K. Rogan Lab, Western University
No classification provided (evidence only). Condition: Malignant tumor of esophagus. Review status: no classification provided. Collection method: in vitro. Allele origin: not applicable. Functional consequence: retained intron. Not counted in ClinVar's aggregate classification.